The following is an entry in ClinVar:

NM_024529.5(CDC73):c.613A>G (p.Ile205Val)

Gene: CDC73 (cell division cycle 73; plus strand). Cytogenetic location: 1q31.2.
Variant type: single nucleotide variant.
Coding change: c.613A>G on transcript NM_024529.5 (MANE Select); coding-DNA position 613, A replaced by G.
Protein change: p.Ile205Val; replaces isoleucine 205 with valine.
Molecular consequence: missense variant.
Genome position (GRCh38, 1-based): chr1:193,141,950, A>G. VCF-style: chr1-193141950-A-G. GRCh37 (hg19) VCF-style: chr1-193111080-A-G.
Other names: short protein forms I205V.
Identifiers: ClinVar variation 2004720 (VCV002004720.6), dbSNP rs771679060, ClinGen allele CA343962521.

ClinVar aggregate classification (germline): Uncertain significance. Review status: criteria provided, multiple submitters, no conflicts (2 of 4 stars). 2 submissions from 2 submitters: Uncertain significance (2). Last evaluated 2024-03-01.

Conditions:
Parathyroid carcinoma (PRTC). Also called: Parathyroid gland carcinoma; CDC73-Related Parathyroid Carcinoma. Identifiers: Orphanet 143, MedGen C0687150, MONDO:0012004, OMIM 608266, HP:0006780.
Hereditary cancer-predisposing syndrome. Also called: Hereditary neoplastic syndrome; Hereditary Cancer Syndrome; Tumor predisposition; Neoplastic Syndromes, Hereditary. Identifiers: Orphanet 140162, MedGen C0027672, MeSH D009386, MONDO:0015356.

Submissions (2):

Labcorp Genetics (formerly Invitae), Labcorp
Classification: Uncertain significance for Parathyroid carcinoma. Last evaluated: 2024-03-01. Review status: criteria provided, single submitter. Criteria: Invitae Variant Classification Sherloc (09022015). Collection method: clinical testing. Allele origin: germline.
Comment: This sequence change replaces isoleucine, which is neutral and non-polar, with valine, which is neutral and non-polar, at codon 205 of the CDC73 protein (p.Ile205Val). This variant is not present in population databases (gnomAD no frequency). This variant has not been reported in the literature in individuals affected with CDC73-related conditions. ClinVar contains an entry for this variant (Variation ID: 2004720). Advanced modeling of protein sequence and biophysical properties (such as structural, functional, and spatial information, amino acid conservation, physicochemical variation, residue mobility, and thermodynamic stability) performed at Invitae indicates that this missense variant is not expected to disrupt CDC73 protein function with a negative predictive value of 80%. In summary, the available evidence is currently insufficient to determine the role of this variant in disease. Therefore, it has been classified as a Variant of Uncertain Significance.

Ambry Genetics
Classification: Uncertain significance for Hereditary cancer-predisposing syndrome. Last evaluated: 2023-05-02. Review status: criteria provided, single submitter. Criteria: Ambry Variant Classification Scheme 2023. Collection method: clinical testing. Allele origin: germline.
Comment: The p.I205V variant (also known as c.613A>G), located in coding exon 7 of the CDC73 gene, results from an A to G substitution at nucleotide position 613. The isoleucine at codon 205 is replaced by valine, an amino acid with highly similar properties. This amino acid position is conserved. In addition, this alteration is predicted to be tolerated by in silico analysis. Since supporting evidence is limited at this time, the clinical significance of this alteration remains unclear.